The following is an entry in ClinVar:

ClinVar aggregate classification (germline): Uncertain significance (1 of 4 stars; one submission).

gnomAD v4.1: 1 of 1,288,468 alleles (0.000078%); no homozygotes.

Submission:

CeGaT Center for Human Genetics Tuebingen
Classification: Uncertain significance. Last evaluated: 2026-03-01. Review status: criteria provided, single submitter. Criteria: CeGaT Center For Human Genetics Tuebingen Variant Classification Criteria Version 2. Collection method: clinical testing. Allele origin: germline. Affected: yes. Observed: 1 variant allele.
Comment: DIP2C: PM2, PP3

NM_014974.3(DIP2C):c.34C>T (p.Pro12Ser)

Gene: DIP2C (DIP2 acetate--CoA ligase C (putative); minus strand). Cytogenetic location: 10p15.3.
Variant type: single nucleotide variant.
Coding change: c.34C>T on transcript NM_014974.3 (MANE Select); coding-DNA position 34, C replaced by T.
Protein change: p.Pro12Ser; replaces proline 12 with serine.
Molecular consequence: missense variant.
Genome position (GRCh38, 1-based): chr10:689,545, G>A on the plus strand (C>T on the coding strand, the complement: DIP2C is on the minus strand). VCF-style: chr10-689545-G-A. GRCh37 (hg19) VCF-style: chr10-735485-G-A.
Other names: short protein forms P12S.
Identifiers: ClinVar variation 4823741 (VCV004823741.4).